The following is an entry in ClinVar:

ClinVar aggregate classification (germline): Uncertain significance (1 of 4 stars; one submission).

Conditions:
Long QT syndrome (LQTS). Identifiers: MedGen C0023976, MeSH D008133, MONDO:0002442. Disease mechanism: loss of function. Inheritance: Various modes of inheritance.

gnomAD v4.1: 2 of 1,613,424 alleles (0.00012%); highest among the groups gnomAD compares: Non-Finnish European, 0.00017%; no homozygotes.

Submission:

Labcorp Genetics (formerly Invitae), Labcorp
Classification: Uncertain significance for Long QT syndrome. Last evaluated: 2022-10-26. Review status: criteria provided, single submitter. Criteria: Invitae Variant Classification Sherloc (09022015). Collection method: clinical testing. Allele origin: germline.
Comment: In summary, the available evidence is currently insufficient to determine the role of this variant in disease. Therefore, it has been classified as a Variant of Uncertain Significance. Advanced modeling of protein sequence and biophysical properties (such as structural, functional, and spatial information, amino acid conservation, physicochemical variation, residue mobility, and thermodynamic stability) performed at Invitae indicates that this missense variant is expected to disrupt CACNA1C protein function. This variant has not been reported in the literature in individuals affected with CACNA1C-related conditions. This variant is not present in population databases (gnomAD no frequency). This sequence change replaces isoleucine, which is neutral and non-polar, with valine, which is neutral and non-polar, at codon 118 of the CACNA1C protein (p.Ile118Val).

NM_000719.7(CACNA1C):c.352A>G (p.Ile118Val)

Gene: CACNA1C (calcium voltage-gated channel subunit alpha1 C; plus strand). Cytogenetic location: 12p13.33.
Variant type: single nucleotide variant.
Coding change: c.352A>G on transcript NM_000719.7 (MANE Select); coding-DNA position 352, A replaced by G.
Protein change: p.Ile118Val; replaces isoleucine 118 with valine.
Molecular consequence: missense variant.
Genome position (GRCh38, 1-based): chr12:2,115,526, A>G. VCF-style: chr12-2115526-A-G. GRCh37 (hg19) VCF-style: chr12-2224692-A-G.
Other names: c.352A>G, p.Ile118Val (NM_001129827.2, NM_001129829.2, NM_001129830.3 and 19 more transcripts); short protein forms I118V.
Identifiers: ClinVar variation 1722200 (VCV001722200.6), dbSNP rs2547574501, ClinGen allele CA383653454.